The following is an entry in ClinVar:

NM_005591.4(MRE11):c.1883G>A (p.Arg628Lys)

Gene: MRE11 (MRE11 double strand break repair nuclease; minus strand). Cytogenetic location: 11q21.
Variant type: single nucleotide variant.
Coding change: c.1883G>A on transcript NM_005591.4 (MANE Select); coding-DNA position 1883, G replaced by A.
Protein change: p.Arg628Lys; replaces arginine 628 with lysine.
Molecular consequence: missense variant.
Genome position (GRCh38, 1-based): chr11:94,437,220, C>T on the plus strand (G>A on the coding strand, the complement: MRE11 is on the minus strand). VCF-style: chr11-94437220-C-T. GRCh37 (hg19) VCF-style: chr11-94170386-C-T.
Other names: c.1880G>A, p.Arg627Lys (NM_001330347.2); c.1799G>A, p.Arg600Lys (NM_005590.4); short protein forms R628K, R600K, R627K.
Identifiers: ClinVar variation 141551 (VCV000141551.18), dbSNP rs587781835, ClinGen allele CA165755.
Genomic context (GRCh38, chr11:94,437,220, plus strand): 5'-AAAACTTTTTTTCTTACCTCTGAATAATTCTTAGTAGTGACATTTCGGGAAGGCTGCTGT[C>T]TTGTAGATTTAAAGGCTAGAATGAAAAAGATGAAATGTGCATTATGTTATTCTTAAAATA-3'
Protein context (NP_005582.1, residues 618-638): MSIIDAFKST[Arg628Lys]QQPSRNVTTK

ClinVar aggregate classification (germline): Uncertain significance. Review status: criteria provided, multiple submitters, no conflicts (2 of 4 stars). 5 submissions from 5 submitters: Uncertain significance (5). Last evaluated 2025-08-08.

Conditions:
Ataxia-telangiectasia-like disorder (ATLD). Identifiers: MedGen C1858391, MONDO:0011457.
Hereditary cancer-predisposing syndrome. Also called: Neoplastic Syndromes, Hereditary; Tumor predisposition; Hereditary Cancer Syndrome; Hereditary neoplastic syndrome. Identifiers: Orphanet 140162, MedGen C0027672, MeSH D009386, MONDO:0015356.
Ataxia-telangiectasia-like disorder 1 (ATLD1). Identifiers: Orphanet 251347, MedGen C4012790, MONDO:0024557, OMIM 604391.

Allele frequency attached by ClinVar (database versions not stated): ExAC 0.00001; gnomAD exomes 0.00001; gnomAD 0.00004; TOPMed 0.00007.
gnomAD v4.1: 19 of 1,612,806 alleles (0.0012%); highest among the groups gnomAD compares: African/African-American, 0.019%; no homozygotes.

Submissions (5):

Ambry Genetics
Classification: Uncertain significance for Hereditary cancer-predisposing syndrome. Last evaluated: 2025-08-08. Review status: criteria provided, single submitter. Criteria: Ambry Variant Classification Scheme 2023. Collection method: clinical testing. Allele origin: germline.
Comment: The p.R628K variant (also known as c.1883G>A), located in coding exon 16 of the MRE11A gene, results from a G to A substitution at nucleotide position 1883. The arginine at codon 628 is replaced by lysine, an amino acid with highly similar properties. This amino acid position is highly conserved in available vertebrate species. In addition, this alteration is predicted to be tolerated by in silico analysis. Based on the available evidence, the clinical significance of this variant remains unclear.

Women's Health and Genetics/Laboratory Corporation of America, LabCorp
Classification: Uncertain significance. Last evaluated: 2025-07-08. Review status: criteria provided, single submitter. Criteria: LabCorp Variant Classification Summary - May 2015. Collection method: clinical testing. Allele origin: germline.
Comment: Variant summary: MRE11A c.1883G>A (p.Arg628Lys) results in a conservative amino acid change in the encoded protein sequence. Algorithms developed to predict the effect of missense changes on protein structure and function are either unavailable or do not agree on the potential impact of this missense change. The variant allele was found at a frequency of 8e-06 in 250978 control chromosomes. The available data on variant occurrences in the general population are insufficient to allow any conclusion about variant significance. To our knowledge, no occurrence of c.1883G>A in individuals affected with Ataxia Telangiectasia-Like Disorder and no experimental evidence demonstrating its impact on protein function have been reported. ClinVar contains an entry for this variant (Variation ID: 141551). Based on the evidence outlined above, the variant was classified as uncertain significance.

Labcorp Genetics (formerly Invitae), Labcorp
Classification: Uncertain significance for Ataxia-telangiectasia-like disorder. Last evaluated: 2024-11-04. Review status: criteria provided, single submitter. Criteria: Invitae Variant Classification Sherloc (09022015). Collection method: clinical testing. Allele origin: germline.
Comment: This sequence change replaces arginine, which is basic and polar, with lysine, which is basic and polar, at codon 628 of the MRE11 protein (p.Arg628Lys). This variant is present in population databases (rs587781835, gnomAD 0.007%). This variant has not been reported in the literature in individuals affected with MRE11-related conditions. ClinVar contains an entry for this variant (Variation ID: 141551). An algorithm developed to predict the effect of missense changes on protein structure and function (PolyPhen-2) suggests that this variant is likely to be tolerated. In summary, the available evidence is currently insufficient to determine the role of this variant in disease. Therefore, it has been classified as a Variant of Uncertain Significance.

Quest Diagnostics Nichols Institute San Juan Capistrano
Classification: Uncertain significance. Last evaluated: 2022-11-01. Review status: criteria provided, single submitter. Criteria: Quest Diagnostics criteria. Collection method: clinical testing. Allele origin: unknown.

Revvity Omics, Revvity
Classification: Uncertain significance for Ataxia-telangiectasia-like disorder 1. Last evaluated: 2019-05-15. Review status: criteria provided, single submitter. Criteria: ACMG Guidelines, 2015. Collection method: clinical testing. Allele origin: germline.